The following is an entry in ClinVar:

ClinVar aggregate classification (germline): Likely pathogenic (1 of 4 stars; one submission).

Submission:

GeneDx
Classification: Likely pathogenic. Last evaluated: 2018-07-09. Review status: criteria provided, single submitter. Criteria: GeneDx Variant Classification (06012015). Collection method: clinical testing. Allele origin: germline. Affected: yes.
Comment: The c.1113delG variant in the FGA gene has not been reported previously as a pathogenic variant nor as a benign variant, to our knowledge. The c.1113delG variant causes a frameshift starting with codon Histidine 372, changes this amino acid to a Threonine residue, and creates a premature Stop codon at position 49 of the new reading frame, denoted p.His372ThrfsX49. This frameshift variant replaces the typical last 273 amino acid residues in the FGA protein with 48 different amino acid residues, which is predicted to cause loss of normal protein function. The c.1113delG variant is not observed in large population cohorts (Lek et al., 2016). We interpret c.1113delG as a likely pathogenic variant.

NM_021871.4(FGA):c.1113del (p.His372fs)

Gene: FGA (fibrinogen alpha chain; minus strand). Cytogenetic location: 4q31.3.
Variant type: Deletion.
Coding change: c.1113del on transcript NM_021871.4 (MANE Select); coding-DNA position 1113, one base deleted (G; older notation c.1113delG).
Protein change: p.His372fs; shifts the reading frame from histidine 372.
Molecular consequence: frameshift variant.
Genome position (GRCh38, 1-based): chr4:154,586,316, C deleted on the plus strand (G on the coding strand, the reverse complement: FGA is on the minus strand); the first of 3 consecutive C bases (chr4:154,586,316-154,586,318); deleting any one gives the same sequence. VCF-style (leftmost placement, unchanged base first): chr4-154586315-GC-G. GRCh37 (hg19) VCF-style: chr4-155507467-GC-G.
Other names: c.1113del, p.His372fs (NM_000508.5); short protein forms H372fs.
Identifiers: ClinVar variation 817156 (VCV000817156.1), dbSNP rs1578795880, ClinGen allele CA915943204.